The following is an entry in ClinVar:

ClinVar aggregate classification (germline): Uncertain significance (1 of 4 stars; one submission).

Submissions (2):

GeneDx
Classification: Uncertain significance. Last evaluated: 2019-12-06. Review status: criteria provided, single submitter. Criteria: GeneDx Variant Classification Process June 2021. Collection method: clinical testing. Allele origin: germline. Affected: yes.
Comment: Not observed in large population cohorts (Lek et al., 2016); In silico analysis, which includes protein predictors and evolutionary conservation, supports a deleterious effect; Has not been previously published as pathogenic or benign to our knowledge

Roden Lab, Vanderbilt University Medical Center
No classification provided (evidence only). Condition: Long QT syndrome 5. Review status: no classification provided. Collection method: in vitro. Allele origin: not applicable. Functional consequence: Effect on ion channel function. Not counted in ClinVar's aggregate classification.
ClinVar note: "not provided" was previously submitted as the classification for the variant. However, the classification appeared to be based only on an observation of functional data so it was converted to no classification on 2025-07-30.

NM_000219.6(KCNE1):c.214G>A (p.Glu72Lys)

Gene: KCNE1 (potassium voltage-gated channel subfamily E regulatory subunit 1; minus strand). Cytogenetic location: 21q22.12.
Variant type: single nucleotide variant.
Coding change: c.214G>A on transcript NM_000219.6 (MANE Select); coding-DNA position 214, G replaced by A.
Protein change: p.Glu72Lys; replaces glutamic acid 72 with lysine.
Molecular consequence: missense variant.
Genome position (GRCh38, 1-based): chr21:34,449,421, C>T on the plus strand (G>A on the coding strand, the complement: KCNE1 is on the minus strand). VCF-style: chr21-34449421-C-T. GRCh37 (hg19) VCF-style: chr21-35821719-C-T.
Other names: c.214G>A, p.Glu72Lys (NM_001127668.4, NM_001127669.4, NM_001127670.4 and 4 more transcripts); short protein forms E72K.
Identifiers: ClinVar variation 1303009 (VCV001303009.4), dbSNP rs2123457997, ClinGen allele CA410198257.